The following is an entry in ClinVar:

ClinVar aggregate classification (germline): Pathogenic (1 of 4 stars; one submission).

Conditions:
Rubinstein-Taybi syndrome (RSTS). Identifiers: Orphanet 783, MedGen C0035934, MONDO:0019188.

Submission:

Labcorp Genetics (formerly Invitae), Labcorp
Classification: Pathogenic for Rubinstein-Taybi syndrome. Last evaluated: 2019-10-16. Review status: criteria provided, single submitter. Criteria: Invitae Variant Classification Sherloc (09022015). Collection method: clinical testing. Allele origin: germline.
Comment: Loss-of-function variants in CREBBP are known to be pathogenic (PMID: 17052327, 18792986). For these reasons, this variant has been classified as Pathogenic. This sequence change creates a premature translational stop signal (p.Ser745Profs*3) in the CREBBP gene. It is expected to result in an absent or disrupted protein product. This variant has not been reported in the literature in individuals with CREBBP-related conditions. This variant is not present in population databases (ExAC no frequency).

Literature cited by the submitters: PubMed 17052327; PubMed 18792986.

NM_004380.3(CREBBP):c.2233del (p.Ser745fs)

Gene: CREBBP (CREB binding lysine acetyltransferase; minus strand). Cytogenetic location: 16p13.3.
Variant type: Deletion.
Coding change: c.2233del on transcript NM_004380.3 (MANE Select); coding-DNA position 2233, one base deleted (T; older notation c.2233delT).
Protein change: p.Ser745fs; shifts the reading frame from serine 745.
Molecular consequence: frameshift variant.
Genome position (GRCh38, 1-based): chr16:3,774,619, A deleted on the plus strand (T on the coding strand, the reverse complement: CREBBP is on the minus strand). VCF-style (leftmost placement, unchanged base first): chr16-3774618-GA-G. GRCh37 (hg19) VCF-style: chr16-3824619-GA-G.
Other names: c.2119del, p.Ser707fs (NM_001079846.1); short protein forms S707fs, S745fs.
Identifiers: ClinVar variation 943635 (VCV000943635.7), dbSNP rs2053092574, ClinGen allele CA1139664474.
Genomic context (GRCh38, chr16:3,774,618, plus strand): 5'-AGAACACTTACCCCTGGCACTGAGCCCATGCTGTTCATCTGGACAGAGTGGTTCATTGGG[GA>G]GGCTGCACGAGGTCCCATGGGTGCTTGTGGCAACTGGACGTTCCCCAAGGACATGGGGTT-3'